The following is an entry in ClinVar:

NM_001012614.2(CTBP1):c.162+176A>T

Gene: CTBP1 (C-terminal binding protein 1; minus strand). Cytogenetic location: 4p16.3.
Variant type: single nucleotide variant.
Coding change: c.162+176A>T on transcript NM_001012614.2 (MANE Select); 176 bases into the intron after coding-DNA position 162, A replaced by T.
Molecular consequence: intron variant.
Genome position (GRCh38, 1-based): chr4:1,238,007, T>A on the plus strand (A>T on the coding strand, the complement: CTBP1 is on the minus strand). VCF-style: chr4-1238007-T-A. GRCh37 (hg19) VCF-style: chr4-1231795-T-A.
Other names: c.162+176A>T (NM_001377192.1, NM_001377189.1, NM_001377193.1 and 4 more transcripts); c.195+176A>T (NM_001328.3, NM_001377186.1).
Identifiers: ClinVar variation 2571198 (VCV002571198.27), dbSNP rs529040891, ClinGen allele CA2804519.

ClinVar aggregate classification (germline): Likely benign (1 of 4 stars; one submission).

Allele frequency attached by ClinVar (database versions not stated): gnomAD 0.00098; ExAC 0.00105; TOPMed 0.00116; gnomAD exomes 0.00130.
gnomAD v4.1: 1,016 of 828,362 alleles (0.12%); highest among the groups gnomAD compares: Non-Finnish European, 0.18%; 2 homozygotes.

Submission:

CeGaT Center for Human Genetics Tuebingen
Classification: Likely benign. Last evaluated: 2026-08-01. Review status: criteria provided, single submitter. Criteria: CeGaT Center For Human Genetics Tuebingen Variant Classification Criteria Version 2. Collection method: clinical testing. Allele origin: germline. Affected: yes. Observed: 9 variant alleles.
Comment: CTBP1: PP2, BP4, BS1